The following is an entry in ClinVar:

ClinVar aggregate classification (germline): Pathogenic (1 of 4 stars; one submission).

Submission:

Labcorp Genetics (formerly Invitae), Labcorp
Classification: Pathogenic. Last evaluated: 2019-08-03. Review status: criteria provided, single submitter. Criteria: Invitae Variant Classification Sherloc (09022015). Collection method: clinical testing. Allele origin: germline.
Comment: Loss-of-function variants in LAMA3 are known to be pathogenic (PMID: 10366601, 11810295, 12915477, 16473856, 17362460, 23869449, 28087116). For these reasons, this variant has been classified as Pathogenic. This variant has not been reported in the literature in individuals with LAMA3-related conditions. This sequence change creates a premature translational stop signal (p.Leu220Serfs*2) in the LAMA3 gene. It is expected to result in an absent or disrupted protein product. This variant is not present in population databases (ExAC no frequency).

Literature cited by the submitters: PubMed 10366601; PubMed 11810295; PubMed 12915477; PubMed 16473856; PubMed 17362460; PubMed 23869449; PubMed 28087116.

NM_198129.4(LAMA3):c.5485del (p.Leu1829fs)

Gene: LAMA3 (laminin subunit alpha 3; plus strand). Cytogenetic location: 18q11.2.
Variant type: Deletion.
Coding change: c.5485del on transcript NM_198129.4 (MANE Select); coding-DNA position 5485, one base deleted (C; older notation c.5485delC).
Protein change: p.Leu1829fs; shifts the reading frame from leucine 1829.
Molecular consequence: frameshift variant.
Genome position (GRCh38, 1-based): chr18:23,894,930, C deleted; the last of 3 consecutive C bases (chr18:23,894,928-23,894,930); deleting any one gives the same sequence. VCF-style (leftmost placement, unchanged base first): chr18-23894927-AC-A. GRCh37 (hg19) VCF-style: chr18-21474891-AC-A.
Other names: c.658del, p.Leu220fs (NM_000227.6, NM_001127718.4); c.5485del, p.Leu1829fs (NM_001127717.4); short protein forms L1829fs, L220fs.
Identifiers: ClinVar variation 949115 (VCV000949115.7), dbSNP rs2080823095, ClinGen allele CA1139665980.